The following is an entry in ClinVar:

NM_138694.4(PKHD1):c.3622dup (p.Leu1208fs)

Gene: PKHD1 (PKHD1 ciliary IPT domain containing fibrocystin/polyductin; minus strand). Cytogenetic location: 6p12.2.
Variant type: Duplication.
Coding change: c.3622dup on transcript NM_138694.4 (MANE Select); coding-DNA position 3622, one base duplicated (C; older notation c.3622dupC).
Protein change: p.Leu1208fs; shifts the reading frame from leucine 1208.
Molecular consequence: frameshift variant.
Genome position (GRCh38, 1-based): chr6:52,027,835, G duplicated on the plus strand (C on the coding strand, the reverse complement: PKHD1 is on the minus strand); the first of 3 consecutive G bases (chr6:52,027,835-52,027,837); duplicating any one gives the same sequence. VCF-style (leftmost placement, unchanged base first): chr6-52027834-A-AG. GRCh37 (hg19) VCF-style: chr6-51892632-A-AG.
Other names: c.3622dupC (NM_138694.4); c.3622dup, p.Leu1208fs (NM_170724.3); short protein forms L1208fs.
Identifiers: ClinVar variation 1172603 (VCV001172603.1), dbSNP rs2128151491, ClinGen allele CA2499218374.

ClinVar aggregate classification (germline): Likely pathogenic (1 of 4 stars; one submission).

Conditions:
Renal cyst. Also called: Renal cysts; cystic kidneys; Cystic kidney disease. Identifiers: MedGen C3887499, MONDO:0002473, HP:0000107.

Submission:

Equipe Genetique des Anomalies du Developpement, Université de Bourgogne
Classification: Likely pathogenic for Renal cyst. Review status: criteria provided, single submitter. Criteria: ACMG Guidelines, 2015. Collection method: clinical testing. Allele origin: paternal. Affected: yes.